The following is an entry in ClinVar:

NM_006182.4(DDR2):c.2563G>A (p.Glu855Lys)

Gene: DDR2 (discoidin domain receptor tyrosine kinase 2; plus strand). Cytogenetic location: 1q23.3.
Variant type: single nucleotide variant.
Coding change: c.2563G>A on transcript NM_006182.4 (MANE Select); coding-DNA position 2563, G replaced by A.
Protein change: p.Glu855Lys; replaces glutamic acid 855 with lysine.
Molecular consequence: missense variant.
Genome position (GRCh38, 1-based): chr1:162,780,241, G>A. VCF-style: chr1-162780241-G-A. GRCh37 (hg19) VCF-style: chr1-162750031-G-A.
Other names: c.2563G>A, p.Glu855Lys (NM_001014796.3, NM_001354982.2, NM_001354983.2); short protein forms E855K.
Identifiers: ClinVar variation 1442071 (VCV001442071.8), dbSNP rs138798285, ClinGen allele CA1217819.

ClinVar aggregate classification (germline): Uncertain significance (1 of 4 stars; one submission).

Allele frequency attached by ClinVar (database versions not stated): gnomAD 0.00001; gnomAD exomes 0.00001; ExAC 0.00002; ESP Exome Variant Server 0.00008.
gnomAD v4.1: 9 of 1,613,668 alleles (0.00056%); highest among the groups gnomAD compares: South Asian, 0.0022%; no homozygotes.

Submission:

Labcorp Genetics (formerly Invitae), Labcorp
Classification: Uncertain significance. Last evaluated: 2022-09-08. Review status: criteria provided, single submitter. Criteria: Invitae Variant Classification Sherloc (09022015). Collection method: clinical testing. Allele origin: germline.
Comment: This variant is present in population databases (rs138798285, gnomAD 0.004%). This sequence change replaces glutamic acid, which is acidic and polar, with lysine, which is basic and polar, at codon 855 of the DDR2 protein (p.Glu855Lys). This variant has not been reported in the literature in individuals affected with DDR2-related conditions. In summary, the available evidence is currently insufficient to determine the role of this variant in disease. Therefore, it has been classified as a Variant of Uncertain Significance. Algorithms developed to predict the effect of missense changes on protein structure and function are either unavailable or do not agree on the potential impact of this missense change (SIFT: "Tolerated"; PolyPhen-2: "Possibly Damaging"; Align-GVGD: "Class C0"). ClinVar contains an entry for this variant (Variation ID: 1442071).